The following is an entry in ClinVar:

NM_006206.6(PDGFRA):c.2027A>G (p.Tyr676Cys)

Gene: PDGFRA (platelet derived growth factor receptor alpha; plus strand). Cytogenetic location: 4q12.
Variant type: single nucleotide variant.
Coding change: c.2027A>G on transcript NM_006206.6 (MANE Select); coding-DNA position 2027, A replaced by G.
Protein change: p.Tyr676Cys; replaces tyrosine 676 with cysteine.
Molecular consequence: missense variant.
Genome position (GRCh38, 1-based): chr4:54,278,386, A>G. VCF-style: chr4-54278386-A-G. GRCh37 (hg19) VCF-style: chr4-55144553-A-G.
Other names: c.2027A>G, p.Tyr676Cys (NM_001347827.2, NM_001347829.2); c.2102A>G, p.Tyr701Cys (NM_001347828.2); c.2066A>G, p.Tyr689Cys (NM_001347830.2); short protein forms Y676C, Y689C, Y701C.
Identifiers: ClinVar variation 4740347 (VCV004740347.1).

ClinVar aggregate classification (germline): Uncertain significance (1 of 4 stars; one submission).

Conditions:
Gastrointestinal stromal tumor. Also called: Gastrointestinal stromal tumor, somatic; Gastrointestinal stroma tumor. Identifiers: Orphanet 44890, MedGen C0238198, MeSH D046152, MONDO:0011719, OMIM 606764, HP:0100723.

Submission:

Labcorp Genetics (formerly Invitae), Labcorp
Classification: Uncertain significance for Gastrointestinal stromal tumor. Last evaluated: 2025-12-08. Review status: criteria provided, single submitter. Criteria: Invitae Variant Classification Sherloc (09022015). Collection method: clinical testing. Allele origin: germline.
Comment: This sequence change replaces tyrosine, which is neutral and polar, with cysteine, which is neutral and slightly polar, at codon 676 of the PDGFRA protein (p.Tyr676Cys). This variant is not present in population databases (gnomAD no frequency). This variant has not been reported in the literature in individuals affected with PDGFRA-related conditions. Invitae Evidence Modeling of protein sequence and biophysical properties (such as structural, functional, and spatial information, amino acid conservation, physicochemical variation, residue mobility, and thermodynamic stability) indicates that this missense variant is not expected to disrupt PDGFRA protein function with a negative predictive value of 80%. In summary, the available evidence is currently insufficient to determine the role of this variant in disease. Therefore, it has been classified as a Variant of Uncertain Significance.